The following is an entry in ClinVar:

NC_000007.13:g.(74188451_74191612)_(74193769_74195125)dup

Gene: NCF1 (neutrophil cytosolic factor 1; plus strand). Cytogenetic location: 7q11.23.
Variant type: Duplication.
Identifiers: ClinVar variation 2501061 (VCV002501061.1).

ClinVar aggregate classification (germline): Likely pathogenic (1 of 4 stars; one submission).

Conditions:
Chronic granulomatous disease. Identifiers: Orphanet 379, MedGen C0018203, MONDO:0018305.

Submission:

Women's Health and Genetics/Laboratory Corporation of America, LabCorp
Classification: Likely pathogenic for Chronic granulomatous disease. Last evaluated: 2023-03-17. Review status: criteria provided, single submitter. Criteria: LabCorp Variant Classification Summary - May 2015. Collection method: clinical testing. Allele origin: germline.
Comment: Variant summary: The variant identified by MLPA or other technology involves the duplication of exons 2-4 in the NCF1 gene. A presumed nomenclature of c.(72+1_73-1)_(395+1_396-1)dup has been designated for the purposes of this classification. It has been assumed that this is a tandem duplication in direct orientation (Richardson_GIM_2018, Newman_AJHG_2015). Although exact breakpoints of this duplication are not known, it is expected to result in a frameshift in the NCF1 gene. The variant was absent in 20992 control chromosomes in the gnomAD database (structural variants dataset). The available data on variant occurrences in the general population are insufficient to allow any conclusion about variant significance. To our knowledge, no occurrence of c.(72+1_73-1)_(395+1_396-1)dup in individuals affected with Chronic Granulomatous Disease and no experimental evidence demonstrating its impact on protein function have been reported. Duplication of exon 2 has been classifed as pathogenic in ClinVar (ID 870704). No clinical diagnostic laboratories have submitted clinical-significance assessments for this variant to ClinVar after 2014. Based on the evidence outlined above, the variant was classified as likely pathogenic.